The following is an entry in ClinVar:

ClinVar aggregate classification (germline): Uncertain significance. Review status: criteria provided, multiple submitters, no conflicts (2 of 4 stars). 2 submissions from 2 submitters: Uncertain significance (2). Last evaluated 2025-11-25.

Conditions:
Kabuki syndrome. Also called: Kabuki make-up syndrome; NIIKAWA-KUROKI SYNDROME. Identifiers: Orphanet 2322, MedGen C0796004, MONDO:0016512.

Submissions (2):

Labcorp Genetics (formerly Invitae), Labcorp
Classification: Uncertain significance for Kabuki syndrome. Last evaluated: 2025-11-25. Review status: criteria provided, single submitter. Criteria: Invitae Variant Classification Sherloc (09022015). Collection method: clinical testing. Allele origin: germline.
Comment: This sequence change replaces asparagine, which is neutral and polar, with threonine, which is neutral and polar, at codon 5061 of the KMT2D protein (p.Asn5061Thr). This variant is not present in population databases (gnomAD no frequency). This variant has not been reported in the literature in individuals affected with KMT2D-related conditions. ClinVar contains an entry for this variant (Variation ID: 1702745). Invitae Evidence Modeling of protein sequence and biophysical properties (such as structural, functional, and spatial information, amino acid conservation, physicochemical variation, residue mobility, and thermodynamic stability) has been performed for this missense variant. However, the output from this modeling did not meet the statistical confidence thresholds required to predict the impact of this variant on KMT2D protein function. In summary, the available evidence is currently insufficient to determine the role of this variant in disease. Therefore, it has been classified as a Variant of Uncertain Significance.

GeneDx
Classification: Uncertain significance. Last evaluated: 2022-02-18. Review status: criteria provided, single submitter. Criteria: GeneDx Variant Classification Process June 2021. Collection method: clinical testing. Allele origin: germline. Affected: yes.
Comment: Not observed at significant frequency in large population cohorts (gnomAD); In silico analysis supports that this missense variant has a deleterious effect on protein structure/function; Has not been previously published as pathogenic or benign to our knowledge

NM_003482.4(KMT2D):c.15182A>C (p.Asn5061Thr)

Gene: KMT2D (lysine methyltransferase 2D; minus strand). Cytogenetic location: 12q13.12.
Variant type: single nucleotide variant.
Coding change: c.15182A>C on transcript NM_003482.4 (MANE Select); coding-DNA position 15182, A replaced by C.
Protein change: p.Asn5061Thr; replaces asparagine 5061 with threonine.
Molecular consequence: missense variant.
Genome position (GRCh38, 1-based): chr12:49,026,784, T>G on the plus strand (A>C on the coding strand, the complement: KMT2D is on the minus strand). VCF-style: chr12-49026784-T-G. GRCh37 (hg19) VCF-style: chr12-49420567-T-G.
Other names: short protein forms N5061T.
Identifiers: ClinVar variation 1702745 (VCV001702745.3), dbSNP rs1403030708, ClinGen allele CA384689336.